The following is an entry in ClinVar:

NM_006009.4(TUBA1A):c.274C>G (p.Leu92Val)

Gene: TUBA1A (tubulin alpha 1a; minus strand). Cytogenetic location: 12q13.12.
Variant type: single nucleotide variant.
Coding change: c.274C>G on transcript NM_006009.4 (MANE Select); coding-DNA position 274, C replaced by G.
Protein change: p.Leu92Val; replaces leucine 92 with valine.
Molecular consequence: missense variant.
Genome position (GRCh38, 1-based): chr12:49,186,411, G>C on the plus strand (C>G on the coding strand, the complement: TUBA1A is on the minus strand). VCF-style: chr12-49186411-G-C. GRCh37 (hg19) VCF-style: chr12-49580194-G-C.
Other names: c.274C>G, p.Leu92Val (NM_001270399.2); c.169C>G, p.Leu57Val (NM_001270400.2); short protein forms L92V, L57V.
Identifiers: ClinVar variation 625486 (VCV000625486.1), dbSNP rs1565627548, ClinGen allele CA384643534.

ClinVar aggregate classification (germline): Pathogenic (1 of 4 stars; one submission).

Conditions:
Tubulinopathy. Also called: Tubulinopathies. Identifiers: MedGen CN850169, MONDO:0100153.

Submission:

Institute of Human Genetics, FAU Erlangen, Friedrich-Alexander-Universität Erlangen-Nürnberg
Classification: Pathogenic for Tubulinopathies. Last evaluated: 2018-07-01. Review status: criteria provided, single submitter. Criteria: ACMG Guidelines, 2015. Collection method: literature only. Allele origin: de novo. Affected: yes. Observed: 1 variant allele.
Comment: The c.274C>G, p.(Leu92Val) variant has been reported as a variant of de novo origin. This variant and associated phenotype was previously reported by Kumar et al. Hum Mol Genet, 2010 PMID: 20466733. Agyria (HP:0031882); Hypoplasia of the brainstem (HP:0002365); Cerebellar hypoplasia (HP:0001321); Hypoplastic hippocampus (HP:0025517); Dilation of lateral ventricles (HP:0006956); Microcephaly (HP:0000252)

Literature cited by the submitters: PubMed 30744660; DOI 10.1101/427948.